The following is an entry in ClinVar:

NM_181552.4(CUX1):c.2357A>G (p.Lys786Arg)

Gene: CUX1 (cut like homeobox 1; plus strand). Cytogenetic location: 7q22.1.
Variant type: single nucleotide variant.
Coding change: c.2357A>G on transcript NM_181552.4 (MANE Select); coding-DNA position 2357, A replaced by G.
Protein change: p.Lys786Arg; replaces lysine 786 with arginine.
Molecular consequence: missense variant. On other transcripts: intron variant (5).
Genome position (GRCh38, 1-based): chr7:102,201,654, A>G. VCF-style: chr7-102201654-A-G. GRCh37 (hg19) VCF-style: chr7-101844934-A-G.
Other names: c.2390A>G, p.Lys797Arg (NM_001202543.2); c.1255+6051A>G (NM_001913.5); c.1249+6051A>G (NM_181500.4); c.1117+6051A>G (NM_001202545.3); c.1207+6051A>G (NM_001202544.3); c.1138+6051A>G (NM_001202546.3); short protein forms K786R, K797R.
Identifiers: ClinVar variation 2502088 (VCV002502088.1), dbSNP rs2485458473, ClinGen allele CA368681503.

ClinVar aggregate classification (germline): Uncertain significance (1 of 4 stars; one submission).

Submission:

GeneDx
Classification: Uncertain significance. Last evaluated: 2022-11-14. Review status: criteria provided, single submitter. Criteria: GeneDx Variant Classification Process June 2021. Collection method: clinical testing. Allele origin: germline. Affected: yes.
Comment: Not observed at significant frequency in large population cohorts (gnomAD); In silico analysis supports that this missense variant does not alter protein structure/function; Has not been previously published as pathogenic or benign to our knowledge